The following is an entry in ClinVar:

NM_015662.3(IFT172):c.48T>C (p.Ala16=)

Gene: IFT172 (intraflagellar transport 172; minus strand). Cytogenetic location: 2p23.3.
Variant type: single nucleotide variant.
Coding change: c.48T>C on transcript NM_015662.3 (MANE Select); coding-DNA position 48, T replaced by C.
Protein change: p.Ala16=; no amino-acid change (alanine 16 retained).
Molecular consequence: synonymous variant.
Genome position (GRCh38, 1-based): chr2:27,485,495, A>G on the plus strand (T>C on the coding strand, the complement: IFT172 is on the minus strand). VCF-style: chr2-27485495-A-G. GRCh37 (hg19) VCF-style: chr2-27708362-A-G.
Other names: c.48T>C, p.Ala16= (NM_001410739.1).
Identifiers: ClinVar variation 4984966 (VCV004984966.1).

ClinVar aggregate classification (germline): Likely benign (1 of 4 stars; one submission).

Conditions:
IFT172-related disorder. Also called: IFT172-related condition; IFT172-related disorders.

Submission:

PreventionGenetics, part of Exact Sciences
Classification: Likely benign for IFT172-related condition. Last evaluated: 2026-08-05. Review status: criteria provided, single submitter. Criteria: ACMG Guidelines, 2015. Collection method: clinical testing. Allele origin: germline.
Comment: This variant is classified as likely benign based on ACMG/AMP sequence variant interpretation guidelines (Richards et al. 2015 PMID: 25741868, with internal and published modifications).